The following is an entry in ClinVar:

NM_004360.5(CDH1):c.*1_*2delinsA

Gene: CDH1 (cadherin 1; plus strand). Cytogenetic location: 16q22.1.
Variant type: Indel.
Coding change: c.*1_*2delinsA on transcript NM_004360.5 (MANE Select); 1 bases downstream of the stop codon through 2 bases downstream of the stop codon, GG replaced by A.
Molecular consequence: 3 prime UTR variant.
Genome position (GRCh38, 1-based): chr16:68,833,500-68,833,501, GG replaced by A. VCF-style: chr16-68833500-GG-A. GRCh37 (hg19) VCF-style: chr16-68867403-GG-A.
Other names: c.*1_*2delinsA (NM_001317184.2, NM_001317185.2, NM_001317186.2).
Identifiers: ClinVar variation 3378959 (VCV003378959.1).

ClinVar aggregate classification (germline): Benign (1 of 4 stars; one submission).

Conditions:
Hereditary diffuse gastric adenocarcinoma (HDGC). Also called: DIFFUSE GASTRIC AND LOBULAR BREAST CANCER SYNDROME. Identifiers: Orphanet 26106, MedGen C1708349, MONDO:0007648, OMIM 137215.

Submission:

Myriad Genetics, Inc.
Classification: Benign for Hereditary diffuse gastric adenocarcinoma. Last evaluated: 2024-09-25. Review status: criteria provided, single submitter. Criteria: Myriad Autosomal Dominant, Autosomal Recessive and X-Linked Classification Criteria (2023). Collection method: clinical testing. Allele origin: unknown.
Comment: This variant is considered benign. This variant occurs in the non-coding 3' untranslated region of the gene, and is not expected to impact protein function.